The following is an entry in ClinVar:

ClinVar aggregate classification (germline): Uncertain significance (1 of 4 stars; one submission).

gnomAD v4.1: 3 of 1,614,046 alleles (0.00019%); highest among the groups gnomAD compares: South Asian, 0.0011%; no homozygotes.

Submission:

Labcorp Genetics (formerly Invitae), Labcorp
Classification: Uncertain significance. Last evaluated: 2024-07-21. Review status: criteria provided, single submitter. Criteria: Invitae Variant Classification Sherloc (09022015). Collection method: clinical testing. Allele origin: germline.
Comment: This sequence change replaces aspartic acid, which is acidic and polar, with asparagine, which is neutral and polar, at codon 379 of the ACAN protein (p.Asp379Asn). This variant is present in population databases (rs764102419, gnomAD 0.003%). This variant has not been reported in the literature in individuals affected with ACAN-related conditions. Advanced modeling of protein sequence and biophysical properties (such as structural, functional, and spatial information, amino acid conservation, physicochemical variation, residue mobility, and thermodynamic stability) performed at Invitae indicates that this missense variant is not expected to disrupt ACAN protein function with a negative predictive value of 80%. In summary, the available evidence is currently insufficient to determine the role of this variant in disease. Therefore, it has been classified as a Variant of Uncertain Significance.

NM_001369268.1(ACAN):c.1135G>A (p.Asp379Asn)

Gene: ACAN (aggrecan; plus strand). Cytogenetic location: 15q26.1.
Variant type: single nucleotide variant.
Coding change: c.1135G>A on transcript NM_001369268.1 (MANE Select); coding-DNA position 1135, G replaced by A.
Protein change: p.Asp379Asn; replaces aspartic acid 379 with asparagine.
Molecular consequence: missense variant.
Genome position (GRCh38, 1-based): chr15:88,845,588, G>A. VCF-style: chr15-88845588-G-A. GRCh37 (hg19) VCF-style: chr15-89388819-G-A.
Other names: c.1135G>A, p.Asp379Asn (NM_001135.4, NM_001411096.1, NM_001411097.1 and 1 more transcripts); short protein forms D379N.
Identifiers: ClinVar variation 3621690 (VCV003621690.2).